The following is an entry in ClinVar:

NM_000069.3(CACNA1S):c.324C>T (p.Tyr108=)

Gene: CACNA1S (calcium voltage-gated channel subunit alpha1 S; minus strand). Cytogenetic location: 1q32.1.
Variant type: single nucleotide variant.
Coding change: c.324C>T on transcript NM_000069.3 (MANE Select); coding-DNA position 324, C replaced by T.
Protein change: p.Tyr108=; no amino-acid change (tyrosine 108 retained).
Molecular consequence: synonymous variant.
Genome position (GRCh38, 1-based): chr1:201,093,956, G>A on the plus strand (C>T on the coding strand, the complement: CACNA1S is on the minus strand). VCF-style: chr1-201093956-G-A. GRCh37 (hg19) VCF-style: chr1-201063084-G-A.
Identifiers: ClinVar variation 294783 (VCV000294783.50), dbSNP rs200487405, ClinGen allele CA079603.

ClinVar aggregate classification (germline): Benign/Likely benign. Review status: criteria provided, multiple submitters, no conflicts (2 of 4 stars). 11 submissions from 8 submitters: Benign (5); Likely benign (6). Last evaluated 2026-08-01.

Conditions:
Malignant hyperthermia, susceptibility to, 5 (MHS5). Also called: CACNA1S-Related Malignant Hyperthermia Susceptibility. Identifiers: Orphanet 423, MedGen C1866077, MONDO:0011163, OMIM 601887.
Hypokalemic periodic paralysis, type 1. Also called: HypoPP; Hypokalemic Periodic Paralysis Type 1 (AD). Identifiers: Orphanet 681, MedGen C3714580, MONDO:0042979, OMIM 170400.
Thyrotoxic periodic paralysis, susceptibility to, 1 (TTPP1). Identifiers: Orphanet 79102, MedGen C2749982, MONDO:0008570, OMIM 188580.
CACNA1S-related disorder. Also called: CACNA1S-related condition.
Congenital myopathy 18. Also called: DIHYDROPYRIDINE RECEPTOR CONGENITAL MYOPATHY; DHPR CONGENITAL MYOPATHY; Myopathy, congenital, due to dihydropyridine receptor defect. Identifiers: MedGen C5830283, MONDO:0859514, OMIM 620246.

Allele frequency attached by ClinVar (database versions not stated): gnomAD exomes 0.00018 and 0.00029; gnomAD 0.00026 and 0.00027; ExAC 0.00029; TOPMed 0.00029; ESP Exome Variant Server 0.00069.
gnomAD v4.1: 313 of 1,614,182 alleles (0.019%); highest among the groups gnomAD compares: Middle Eastern, 0.083%; no homozygotes.

Submissions (11):

CeGaT Center for Human Genetics Tuebingen
Classification: Likely benign. Last evaluated: 2026-08-01. Review status: criteria provided, single submitter. Criteria: CeGaT Center For Human Genetics Tuebingen Variant Classification Criteria Version 2. Collection method: clinical testing. Allele origin: germline. Affected: yes. Observed: 16 variant alleles.
Comment: CACNA1S: BP4, BP7

Labcorp Genetics (formerly Invitae), Labcorp
Classification: Likely benign for Hypokalemic periodic paralysis, type 1; Malignant hyperthermia, susceptibility to, 5. Last evaluated: 2026-01-13. Review status: criteria provided, single submitter. Criteria: Invitae Variant Classification Sherloc (09022015). Collection method: clinical testing. Allele origin: germline.

PreventionGenetics, part of Exact Sciences
Classification: Likely benign for CACNA1S-related condition. Last evaluated: 2025-10-25. Review status: criteria provided, single submitter. Criteria: ACMG Guidelines, 2015. Collection method: clinical testing. Allele origin: germline.
Comment: This variant is classified as likely benign based on ACMG/AMP sequence variant interpretation guidelines (Richards et al. 2015 PMID: 25741868, with internal and published modifications).

Blueprint Genetics
Classification: Likely benign. Last evaluated: 2024-11-26. Review status: criteria provided, single submitter. Criteria: ACMG Guidelines, 2015. Collection method: clinical testing. Allele origin: germline.

Genome-Nilou Lab
Classification: Benign for Malignant hyperthermia, susceptibility to, 5. Last evaluated: 2023-04-11. Review status: criteria provided, single submitter. Criteria: ACMG Guidelines, 2015. Collection method: clinical testing. Allele origin: germline. Affected: no.

Genome-Nilou Lab
Classification: Benign for Thyrotoxic periodic paralysis, susceptibility to, 1. Last evaluated: 2023-04-11. Review status: criteria provided, single submitter. Criteria: ACMG Guidelines, 2015. Collection method: clinical testing. Allele origin: germline. Affected: no.

Genome-Nilou Lab
Classification: Benign for Congenital myopathy 18. Last evaluated: 2023-04-11. Review status: criteria provided, single submitter. Criteria: ACMG Guidelines, 2015. Collection method: clinical testing. Allele origin: germline. Affected: no.

Genome-Nilou Lab
Classification: Benign for Hypokalemic periodic paralysis, type 1. Last evaluated: 2023-04-11. Review status: criteria provided, single submitter. Criteria: ACMG Guidelines, 2015. Collection method: clinical testing. Allele origin: germline. Affected: no.

Color Diagnostics, LLC DBA Color Health
Classification: Likely benign for Malignant hyperthermia, susceptibility to, 5. Last evaluated: 2022-11-06. Review status: criteria provided, single submitter. Criteria: ACMG Guidelines, 2015. Collection method: clinical testing. Allele origin: germline.

GeneDx
Classification: Likely benign. Last evaluated: 2020-06-10. Review status: criteria provided, single submitter. Criteria: GeneDx Variant Classification Process June 2021. Collection method: clinical testing. Allele origin: germline. Affected: yes.

Illumina Laboratory Services, Illumina
Classification: Benign for Hypokalemic periodic paralysis, type 1. Last evaluated: 2018-01-13. Review status: criteria provided, single submitter. Criteria: ICSL Variant Classification Criteria 13 December 2019. Collection method: clinical testing. Allele origin: germline.
Comment: This variant was observed in the ICSL laboratory as part of a predisposition screen in an ostensibly healthy population. It had not been previously curated by ICSL or reported in the Human Gene Mutation Database (HGMD: prior to June 1st, 2018), and was therefore a candidate for classification through an automated scoring system. Utilizing variant allele frequency, disease prevalence and penetrance estimates, and inheritance mode, an automated score was calculated to assess if this variant is too frequent to cause the disease. Based on the score and internal cut-off values, a variant classified as benign is not then subjected to further curation. The score for this variant resulted in a classification of benign for this disease.